The following is an entry in ClinVar:

ClinVar aggregate classification (germline): Uncertain significance (1 of 4 stars; one submission).

Conditions:
Hyperekplexia 2 (HKPX2). Identifiers: Orphanet 3197, MedGen C3553291, MONDO:0013828, OMIM 614619.

Allele frequency attached by ClinVar (database versions not stated): ExAC 0.00003; gnomAD 0.00003; gnomAD exomes 0.00004; TOPMed 0.00004.
gnomAD v4.1: 16 of 1,613,308 alleles (0.00099%); highest among the groups gnomAD compares: Admixed American, 0.022%; no homozygotes.

Submission:

Labcorp Genetics (formerly Invitae), Labcorp
Classification: Uncertain significance for Hyperekplexia 2. Last evaluated: 2023-12-11. Review status: criteria provided, single submitter. Criteria: Invitae Variant Classification Sherloc (09022015). Collection method: clinical testing. Allele origin: germline.
Comment: This sequence change replaces serine, which is neutral and polar, with glycine, which is neutral and non-polar, at codon 150 of the GLRB protein (p.Ser150Gly). This variant is present in population databases (no rsID available, gnomAD 0.02%). This variant has not been reported in the literature in individuals affected with GLRB-related conditions. ClinVar contains an entry for this variant (Variation ID: 1374533). Advanced modeling of protein sequence and biophysical properties (such as structural, functional, and spatial information, amino acid conservation, physicochemical variation, residue mobility, and thermodynamic stability) performed at Invitae indicates that this missense variant is not expected to disrupt GLRB protein function with a negative predictive value of 80%. In summary, the available evidence is currently insufficient to determine the role of this variant in disease. Therefore, it has been classified as a Variant of Uncertain Significance.

NM_000824.5(GLRB):c.448A>G (p.Ser150Gly)

Gene: GLRB (glycine receptor beta; plus strand). Cytogenetic location: 4q32.1.
Variant type: single nucleotide variant.
Coding change: c.448A>G on transcript NM_000824.5 (MANE Select); coding-DNA position 448, A replaced by G.
Protein change: p.Ser150Gly; replaces serine 150 with glycine.
Molecular consequence: missense variant.
Genome position (GRCh38, 1-based): chr4:157,136,619, A>G. VCF-style: chr4-157136619-A-G. GRCh37 (hg19) VCF-style: chr4-158057771-A-G.
Other names: c.448A>G, p.Ser150Gly (NM_001166060.2, NM_001166061.2); short protein forms S150G.
Identifiers: ClinVar variation 1374533 (VCV001374533.4), dbSNP rs930078810, ClinGen allele CA3119755.